The following is an entry in ClinVar:

ClinVar aggregate classification (germline): Uncertain significance. Review status: criteria provided, multiple submitters, no conflicts (2 of 4 stars). 2 submissions from 2 submitters: Uncertain significance (2). Last evaluated 2025-12-15.

Conditions:
Inborn genetic diseases. Identifiers: MedGen C0950123, MeSH D030342.
Brachyolmia-amelogenesis imperfecta syndrome. Also called: PLATYSPONDYLY WITH AMELOGENESIS IMPERFECTA; Tooth agenesis, selective, 6; Dental anomalies and short stature. Identifiers: Orphanet 2899, MedGen C1832594, MONDO:0011018, OMIM 601216. Disease mechanism: loss of function.

Allele frequency attached by ClinVar (database versions not stated): 1000 Genomes Project 0.00040; 1000 Genomes Project 30x 0.00062.
gnomAD v4.1: 51 of 1,611,034 alleles (0.0032%); highest among the groups gnomAD compares: Middle Eastern, 0.033%; no homozygotes.

Submissions (2):

Labcorp Genetics (formerly Invitae), Labcorp
Classification: Uncertain significance for Brachyolmia-amelogenesis imperfecta syndrome. Last evaluated: 2025-12-15. Review status: criteria provided, single submitter. Criteria: Invitae Variant Classification Sherloc (09022015). Collection method: clinical testing. Allele origin: germline.
Comment: This sequence change replaces alanine, which is neutral and non-polar, with serine, which is neutral and polar, at codon 144 of the LTBP3 protein (p.Ala144Ser). This variant is present in population databases (rs181842110, gnomAD 0.04%). This variant has not been reported in the literature in individuals affected with LTBP3-related conditions. ClinVar contains an entry for this variant (Variation ID: 1524064). An algorithm developed to predict the effect of missense changes on protein structure and function (PolyPhen-2) suggests that this variant is likely to be disruptive. In summary, the available evidence is currently insufficient to determine the role of this variant in disease. Therefore, it has been classified as a Variant of Uncertain Significance.

Ambry Genetics
Classification: Uncertain significance for Inborn genetic diseases. Last evaluated: 2025-01-17. Review status: criteria provided, single submitter. Criteria: Ambry Variant Classification Scheme 2023. Collection method: clinical testing. Allele origin: germline.

NM_001130144.3(LTBP3):c.430G>T (p.Ala144Ser)

Gene: LTBP3 (latent transforming growth factor beta binding protein 3; minus strand). Cytogenetic location: 11q13.1.
Variant type: single nucleotide variant.
Coding change: c.430G>T on transcript NM_001130144.3 (MANE Select); coding-DNA position 430, G replaced by T.
Protein change: p.Ala144Ser; replaces alanine 144 with serine.
Molecular consequence: missense variant.
Genome position (GRCh38, 1-based): chr11:65,554,282, C>A on the plus strand (G>T on the coding strand, the complement: LTBP3 is on the minus strand). VCF-style: chr11-65554282-C-A. GRCh37 (hg19) VCF-style: chr11-65321753-C-A.
Other names: c.79G>T, p.Ala27Ser (NM_001164266.1); c.430G>T, p.Ala144Ser (NM_021070.4); short protein forms A27S, A144S.
Identifiers: ClinVar variation 1524064 (VCV001524064.9), dbSNP rs181842110, ClinGen allele CA6101242.
Genomic context (GRCh38, chr11:65,554,282, plus strand): 5'-GGGCCCCTGTCCTGCTCAGGCCGGGGCCTGAGCCGCCGGTACCCCCACCGGCTCCTCCTG[C>A]GGGCACCTGGCAGAAGCGCCCAGTGAAGTCCGGGGGACACAGGCACTGGTTTCGCGAGGA-3'
Protein context (NP_001123616.1, residues 134-154): DFTGRFCQVP[Ala144Ser]GGAGGGTGGS